The following is an entry in ClinVar:

NM_002048.3(GAS1):c.178G>A (p.Glu60Lys)

Gene: GAS1 (growth arrest specific 1; minus strand). Cytogenetic location: 9q21.33.
Variant type: single nucleotide variant.
Coding change: c.178G>A on transcript NM_002048.3 (MANE Select); coding-DNA position 178, G replaced by A.
Protein change: p.Glu60Lys; replaces glutamic acid 60 with lysine.
Molecular consequence: missense variant.
Genome position (GRCh38, 1-based): chr9:86,946,602, C>T on the plus strand (G>A on the coding strand, the complement: GAS1 is on the minus strand). VCF-style: chr9-86946602-C-T. GRCh37 (hg19) VCF-style: chr9-89561517-C-T.
Other names: c.178G>A (NM_002048.2); short protein forms E60K.
Identifiers: ClinVar variation 1430876 (VCV001430876.9), dbSNP rs748874081, ClinGen allele CA374016736.
Genomic context (GRCh38, chr9:86,946,602, plus strand): 5'-CGTGCTGCGCCAGCACCGGCGCGCACGCCTCGGCGTACTGGTTGTAGGCGTAGCTGCACT[C>T]CGGCTCCCCCTGGCACTGCAGCAGCGCCTGCCAGCAGATGAGGCGGCGGCCGTGCGCCAG-3'
Protein context (NP_002039.2, residues 50-70): QALLQCQGEP[Glu60Lys]CSYAYNQYAE

ClinVar aggregate classification (germline): Uncertain significance. Review status: criteria provided, multiple submitters, no conflicts (2 of 4 stars). 2 submissions from 2 submitters: Uncertain significance (2). Last evaluated 2025-03-01.

gnomAD v4.1: 41 of 1,449,908 alleles (0.0028%); highest among the groups gnomAD compares: Admixed American, 0.014%; no homozygotes.

Submissions (2):

Ambry Genetics
Classification: Uncertain significance. Last evaluated: 2025-03-01. Review status: criteria provided, single submitter. Criteria: Ambry Variant Classification Scheme 2023. Collection method: clinical testing. Allele origin: germline.

Labcorp Genetics (formerly Invitae), Labcorp
Classification: Uncertain significance. Last evaluated: 2021-06-16. Review status: criteria provided, single submitter. Criteria: Invitae Variant Classification Sherloc (09022015). Collection method: clinical testing. Allele origin: germline.
Comment: This sequence change replaces glutamic acid with lysine at codon 60 of the GAS1 protein (p.Glu60Lys). The glutamic acid residue is moderately conserved and there is a small physicochemical difference between glutamic acid and lysine. The frequency data for this variant in the population databases is considered unreliable, as metrics indicate insufficient coverage at this position in the ExAC database. This variant has not been reported in the literature in individuals with GAS1-related conditions. Algorithms developed to predict the effect of missense changes on protein structure and function are either unavailable or do not agree on the potential impact of this missense change (SIFT: "Deleterious"; PolyPhen-2: "Possibly Damaging"; Align-GVGD: "Class C0"). In summary, the available evidence is currently insufficient to determine the role of this variant in disease. Therefore, it has been classified as a Variant of Uncertain Significance.